The following is an entry in ClinVar:

NM_001430.5(EPAS1):c.1018G>A (p.Val340Ile)

Gene: EPAS1 (endothelial PAS domain protein 1; plus strand). Cytogenetic location: 2p21.
Variant type: single nucleotide variant.
Coding change: c.1018G>A on transcript NM_001430.5 (MANE Select); coding-DNA position 1018, G replaced by A.
Protein change: p.Val340Ile; replaces valine 340 with isoleucine.
Molecular consequence: missense variant.
Genome position (GRCh38, 1-based): chr2:46,375,821, G>A. VCF-style: chr2-46375821-G-A. GRCh37 (hg19) VCF-style: chr2-46602960-G-A.
Other names: short protein forms V340I.
Identifiers: ClinVar variation 1750845 (VCV001750845.3), dbSNP rs768567658, ClinGen allele CA1644841.
Genomic context (GRCh38, chr2:46,375,821, plus strand): 5'-GAGACCCAGGGGACGGTCATCTACAACCCTCGCAACCTGCAGCCCCAGTGCATCATGTGT[G>A]TCAACTACGTCCTGAGGTAAGCATGTGAGGGCTGGCGGGCCTTGGTGCAGGGTATGTGGG-3'
Protein context (NP_001421.2, residues 330-350): RNLQPQCIMC[Val340Ile]NYVLSEIEKN

ClinVar aggregate classification (germline): Uncertain significance (1 of 4 stars; one submission).

Conditions:
Inborn genetic diseases. Identifiers: MedGen C0950123, MeSH D030342.

Allele frequency attached by ClinVar (database versions not stated): gnomAD exomes below 0.00001; TOPMed below 0.00001; ExAC 0.00001; gnomAD 0.00001.
gnomAD v4.1: 6 of 1,614,114 alleles (0.00037%); highest among the groups gnomAD compares: African/African-American, 0.0027%; no homozygotes.

Submission:

Ambry Genetics
Classification: Uncertain significance for Inborn genetic diseases. Last evaluated: 2024-08-12. Review status: criteria provided, single submitter. Criteria: Ambry Variant Classification Scheme 2023. Collection method: clinical testing. Allele origin: germline.
Comment: The p.V340I variant (also known as c.1018G>A), located in coding exon 8 of the EPAS1 gene, results from a G to A substitution at nucleotide position 1018. The valine at codon 340 is replaced by isoleucine, an amino acid with highly similar properties. This amino acid position is conserved. In addition, this alteration is predicted to be tolerated by in silico analysis. Since supporting evidence is limited at this time, the clinical significance of this alteration remains unclear.